The following is an entry in ClinVar:

NM_019066.5(MAGEL2):c.200C>T (p.Ala67Val)

Gene: MAGEL2 (MAGE family member L2; minus strand). Cytogenetic location: 15q11.2.
Variant type: single nucleotide variant.
Coding change: c.200C>T on transcript NM_019066.5 (MANE Select); coding-DNA position 200, C replaced by T.
Protein change: p.Ala67Val; replaces alanine 67 with valine.
Molecular consequence: missense variant.
Genome position (GRCh38, 1-based): chr15:23,647,543, G>A on the plus strand (C>T on the coding strand, the complement: MAGEL2 is on the minus strand). VCF-style: chr15-23647543-G-A. GRCh37 (hg19) VCF-style: chr15-23892690-G-A.
Other names: c.200C>T (NM_019066.4); short protein forms A67V.
Identifiers: ClinVar variation 1967880 (VCV001967880.7), dbSNP rs535440723, ClinGen allele CA267661818.

ClinVar aggregate classification (germline): Uncertain significance. Review status: criteria provided, multiple submitters, no conflicts (2 of 4 stars). 2 submissions from 2 submitters: Uncertain significance (2). Last evaluated 2026-06-27.

Conditions:
MAGEL2-related disorder. Also called: MAGEL2-related condition.

Allele frequency attached by ClinVar (database versions not stated): gnomAD exomes 0.00001; gnomAD 0.00009; 1000 Genomes Project 30x 0.00016; 1000 Genomes Project 0.00020.

Submissions (2):

PreventionGenetics, part of Exact Sciences
Classification: Uncertain significance for MAGEL2-related condition. Last evaluated: 2026-06-27. Review status: criteria provided, single submitter. Criteria: ACMG Guidelines, 2015. Collection method: clinical testing. Allele origin: germline.
Comment: The MAGEL2 c.200C>T variant is predicted to result in the amino acid substitution p.Ala67Val. To our knowledge, this variant has not been reported in the literature. This variant is reported in 0.026% of alleles in individuals of African descent in gnomAD. At this time, the clinical significance of this variant is uncertain due to the absence of conclusive functional and genetic evidence.

Labcorp Genetics (formerly Invitae), Labcorp
Classification: Uncertain significance. Last evaluated: 2025-06-12. Review status: criteria provided, single submitter. Criteria: Invitae Variant Classification Sherloc (09022015). Collection method: clinical testing. Allele origin: germline.
Comment: This sequence change replaces alanine, which is neutral and non-polar, with valine, which is neutral and non-polar, at codon 67 of the MAGEL2 protein (p.Ala67Val). This variant is present in population databases (rs535440723, gnomAD 0.03%). This variant has not been reported in the literature in individuals affected with MAGEL2-related conditions. ClinVar contains an entry for this variant (Variation ID: 1967880). Experimental studies and prediction algorithms are not available or were not evaluated, and the functional significance of this variant is currently unknown. In summary, the available evidence is currently insufficient to determine the role of this variant in disease. Therefore, it has been classified as a Variant of Uncertain Significance.